The following is an entry in ClinVar:

NM_002299.4(LCT):c.212T>A (p.Phe71Tyr)

Gene: LCT (lactase; minus strand). Cytogenetic location: 2q21.3.
Variant type: single nucleotide variant.
Coding change: c.212T>A on transcript NM_002299.4 (MANE Select); coding-DNA position 212, T replaced by A.
Protein change: p.Phe71Tyr; replaces phenylalanine 71 with tyrosine.
Molecular consequence: missense variant.
Genome position (GRCh38, 1-based): chr2:135,836,958, A>T on the plus strand (T>A on the coding strand, the complement: LCT is on the minus strand). VCF-style: chr2-135836958-A-T. GRCh37 (hg19) VCF-style: chr2-136594528-A-T.
Other names: short protein forms F71Y.
Identifiers: ClinVar variation 3290330 (VCV003290330.3).

ClinVar aggregate classification (germline): Uncertain significance. Review status: criteria provided, multiple submitters, no conflicts (2 of 4 stars). 2 submissions from 2 submitters: Uncertain significance (2). Last evaluated 2024-10-13.

Conditions:
Inborn genetic diseases. Identifiers: MedGen C0950123, MeSH D030342.

gnomAD v4.1: 1 of 1,614,154 alleles (0.000062%); highest among the groups gnomAD compares: Non-Finnish European, 0.000085%; no homozygotes.

Submissions (2):

Labcorp Genetics (formerly Invitae), Labcorp
Classification: Uncertain significance. Last evaluated: 2024-10-13. Review status: criteria provided, single submitter. Criteria: Invitae Variant Classification Sherloc (09022015). Collection method: clinical testing. Allele origin: germline.
Comment: This sequence change replaces phenylalanine, which is neutral and non-polar, with tyrosine, which is neutral and polar, at codon 71 of the LCT protein (p.Phe71Tyr). This variant is not present in population databases (gnomAD no frequency). This variant has not been reported in the literature in individuals affected with LCT-related conditions. An algorithm developed to predict the effect of missense changes on protein structure and function (PolyPhen-2) suggests that this variant is likely to be tolerated. In summary, the available evidence is currently insufficient to determine the role of this variant in disease. Therefore, it has been classified as a Variant of Uncertain Significance.

Ambry Genetics
Classification: Uncertain significance for Inborn genetic diseases. Last evaluated: 2024-05-23. Review status: criteria provided, single submitter. Criteria: Ambry Variant Classification Scheme 2023. Collection method: clinical testing. Allele origin: germline.